The following is an entry in ClinVar:

NM_024928.5(STN1):c.876+6A>T

Gene: STN1 (STN1 subunit of CST complex; minus strand). Cytogenetic location: 10q24.33.
Variant type: single nucleotide variant.
Coding change: c.876+6A>T on transcript NM_024928.5 (MANE Select); 6 bases into the intron after coding-DNA position 876, A replaced by T.
Molecular consequence: intron variant.
Genome position (GRCh38, 1-based): chr10:103,892,124, T>A on the plus strand (A>T on the coding strand, the complement: STN1 is on the minus strand). VCF-style: chr10-103892124-T-A. GRCh37 (hg19) VCF-style: chr10-105651882-T-A.
Identifiers: ClinVar variation 1377429 (VCV001377429.6), dbSNP rs2134361009, ClinGen allele CA2573145510.
Genomic context (GRCh38, chr10:103,892,124, plus strand): 5'-CATAAGTAATAAATATATTTGTAATTGAAGCTACAAAGAAAAAAAGTTAAGTTGCAAGTG[T>A]CTTACATAGTATAGGTTATCAAAACCATCATCTTTCTGGAAAACAAGTCCTTTTTCCTGC-3'

ClinVar aggregate classification (germline): Uncertain significance (1 of 4 stars; one submission).

Submission:

Labcorp Genetics (formerly Invitae), Labcorp
Classification: Uncertain significance. Last evaluated: 2021-12-02. Review status: criteria provided, single submitter. Criteria: Invitae Variant Classification Sherloc (09022015). Collection method: clinical testing. Allele origin: germline.
Comment: In summary, the available evidence is currently insufficient to determine the role of this variant in disease. Therefore, it has been classified as a Variant of Uncertain Significance. Variants that disrupt the consensus splice site are a relatively common cause of aberrant splicing (PMID: 17576681, 9536098). Algorithms developed to predict the effect of sequence changes on RNA splicing suggest that this variant is not likely to affect RNA splicing. This variant has not been reported in the literature in individuals affected with STN1-related conditions. This variant is not present in population databases (gnomAD no frequency). This sequence change falls in intron 8 of the STN1 gene. It does not directly change the encoded amino acid sequence of the STN1 protein. It affects a nucleotide within the consensus splice site.

Literature cited by the submitters: PubMed 17576681; PubMed 9536098.